The following is an entry in ClinVar:

ClinVar aggregate classification (germline): Uncertain significance. Review status: criteria provided, multiple submitters, no conflicts (2 of 4 stars). 2 submissions from 2 submitters: Uncertain significance (2). Last evaluated 2024-08-04.

Conditions:
Inborn genetic diseases. Identifiers: MedGen C0950123, MeSH D030342.

Allele frequency attached by ClinVar (database versions not stated): ExAC 0.00001; gnomAD 0.00002.
gnomAD v4.1: 6 of 1,611,392 alleles (0.00037%); highest among the groups gnomAD compares: Non-Finnish European, 0.00017%; no homozygotes.

Submissions (2):

Ambry Genetics
Classification: Uncertain significance for Inborn genetic diseases. Last evaluated: 2024-08-04. Review status: criteria provided, single submitter. Criteria: Ambry Variant Classification Scheme 2023. Collection method: clinical testing. Allele origin: germline.

Labcorp Genetics (formerly Invitae), Labcorp
Classification: Uncertain significance. Last evaluated: 2022-08-04. Review status: criteria provided, single submitter. Criteria: Invitae Variant Classification Sherloc (09022015). Collection method: clinical testing. Allele origin: germline.
Comment: This sequence change replaces aspartic acid, which is acidic and polar, with glutamic acid, which is acidic and polar, at codon 501 of the TRIP4 protein (p.Asp501Glu). This variant is present in population databases (rs750287498, gnomAD 0.004%). This variant has not been reported in the literature in individuals affected with TRIP4-related conditions. Algorithms developed to predict the effect of missense changes on protein structure and function (SIFT, PolyPhen-2, Align-GVGD) all suggest that this variant is likely to be tolerated. In summary, the available evidence is currently insufficient to determine the role of this variant in disease. Therefore, it has been classified as a Variant of Uncertain Significance.

NM_016213.5(TRIP4):c.1503C>G (p.Asp501Glu)

Gene: TRIP4 (thyroid hormone receptor interactor 4; plus strand). Cytogenetic location: 15q22.31.
Variant type: single nucleotide variant.
Coding change: c.1503C>G on transcript NM_016213.5 (MANE Select); coding-DNA position 1503, C replaced by G.
Protein change: p.Asp501Glu; replaces aspartic acid 501 with glutamic acid.
Molecular consequence: missense variant. On other transcripts: non-coding transcript variant (1).
Genome position (GRCh38, 1-based): chr15:64,425,559, C>G. VCF-style: chr15-64425559-C-G. GRCh37 (hg19) VCF-style: chr15-64717758-C-G.
Other names: c.813C>G, p.Asp271Glu (NM_001321924.2); c.1503C>G (NM_016213.4); short protein forms D271E, D501E.
Identifiers: ClinVar variation 1919826 (VCV001919826.3), dbSNP rs750287498, ClinGen allele CA7609687.
Genomic context (GRCh38, chr15:64,425,559, plus strand): 5'-AGAAGGAAATTTATTCAATATTTTTGTTATTCCTGATTCAGATGTGGAATTTCCTAATGA[C>G]TATCCGTCAGGTTGTCTTCTGGGCTGTGTGGACCTAATTGACTGCTTGTCCCAGAAGCAA-3'
Protein context (NP_057297.2, residues 491-511): LRGKDVEFPN[Asp501Glu]YPSGCLLGCV